The following is an entry in ClinVar:

NM_024715.4(TXNDC15):c.523G>C (p.Val175Leu)

Gene: TXNDC15 (thioredoxin domain containing 15; plus strand). Cytogenetic location: 5q31.1.
Variant type: single nucleotide variant.
Coding change: c.523G>C on transcript NM_024715.4 (MANE Select); coding-DNA position 523, G replaced by C.
Protein change: p.Val175Leu; replaces valine 175 with leucine.
Molecular consequence: missense variant.
Genome position (GRCh38, 1-based): chr5:134,888,114, G>C. VCF-style: chr5-134888114-G-C. GRCh37 (hg19) VCF-style: chr5-134223804-G-C.
Other names: c.523G>C (NM_024715.3); c.319G>C, p.Val107Leu (NM_001350735.2); short protein forms V107L, V175L.
Identifiers: ClinVar variation 1633138 (VCV001633138.10), dbSNP rs79262456, ClinGen allele CA3416865.
Genomic context (GRCh38, chr5:134,888,114, plus strand): 5'-GAATCTGACGCAGCCCCGACAGAGGACTCCAATAACACTGAAAGTCTGAAATCCCCAAAG[G>C]TGAACTGTGAGGAGAGAAACATTACAGGATTAGAAAATTTCACTCTGAAAATTTTAAATA-3'
Protein context (NP_078991.3, residues 165-185): NNTESLKSPK[Val175Leu]NCEERNITGL

ClinVar aggregate classification (germline): Benign. Review status: criteria provided, single submitter (1 of 4 stars). 2 submissions from 2 submitters: Benign (1). 1 of the submissions does not count toward it. Last evaluated 2026-01-15.

Conditions:
TXNDC15-related disorder. Also called: TXNDC15-related condition.

Allele frequency attached by ClinVar (database versions not stated): 1000 Genomes Project 30x 0.00562; 1000 Genomes Project 0.00639.
gnomAD v4.1: 2,317 of 1,614,150 alleles (0.14%); highest among the groups gnomAD compares: East Asian, 4.3%; 49 homozygotes.

Submissions (2):

Labcorp Genetics (formerly Invitae), Labcorp
Classification: Benign. Last evaluated: 2026-01-15. Review status: criteria provided, single submitter. Criteria: Invitae Variant Classification Sherloc (09022015). Collection method: clinical testing. Allele origin: germline.

PreventionGenetics, part of Exact Sciences
Classification: Benign for TXNDC15-related condition. Last evaluated: 2019-09-19. Review status: no assertion criteria provided. Collection method: clinical testing. Allele origin: germline. Not counted in ClinVar's aggregate classification.
Comment: This variant is classified as benign based on ACMG/AMP sequence variant interpretation guidelines (Richards et al. 2015 PMID: 25741868, with internal and published modifications).